The following is an entry in ClinVar:

ClinVar aggregate classification (germline): Uncertain significance (1 of 4 stars; one submission).

Conditions:
Cardiovascular phenotype. Identifiers: MedGen CN230736.

Submission:

Ambry Genetics
Classification: Uncertain significance for Cardiovascular phenotype. Last evaluated: 2026-05-14. Review status: criteria provided, single submitter. Criteria: Ambry Variant Classification Scheme 2023. Collection method: clinical testing. Allele origin: germline.
Comment: The p.L441M variant (also known as c.1321C>A), located in coding exon 12 of the ACTN2 gene, results from a C to A substitution at nucleotide position 1321. The leucine at codon 441 is replaced by methionine, an amino acid with highly similar properties. This amino acid position is conserved. In addition, this alteration is predicted to be tolerated by in silico analysis. Based on the available evidence, the clinical significance of this variant remains unclear.

NM_001103.4(ACTN2):c.1321C>A (p.Leu441Met)

Gene: ACTN2 (actinin alpha 2; plus strand). Cytogenetic location: 1q43.
Variant type: single nucleotide variant.
Coding change: c.1321C>A on transcript NM_001103.4 (MANE Select); coding-DNA position 1321, C replaced by A.
Protein change: p.Leu441Met; replaces leucine 441 with methionine.
Molecular consequence: missense variant. On other transcripts: non-coding transcript variant (1).
Genome position (GRCh38, 1-based): chr1:236,744,691, C>A. VCF-style: chr1-236744691-C-A. GRCh37 (hg19) VCF-style: chr1-236907991-C-A.
Other names: c.1321C>A, p.Leu441Met (NM_001278343.2); short protein forms L441M.
Identifiers: ClinVar variation 4867427 (VCV004867427.1).
Genomic context (GRCh38, chr1:236,744,691, plus strand): 5'-GAGCAGATCTTGCTGCAGAAGGATTACGAGTCGGCGTCGCTGACAGAGGTGCGGGCTCTG[C>A]TGCGGAAGCACGAGGCGTTCGAGAGCGACCTGGCAGCGCACCAGGACCGCGTGGAGCAGA-3'
Protein context (NP_001094.1, residues 431-451): SASLTEVRAL[Leu441Met]RKHEAFESDL